The following is an entry in ClinVar:

ClinVar aggregate classification (germline): Likely pathogenic. Review status: criteria provided, single submitter (1 of 4 stars). 2 submissions from 2 submitters: Likely pathogenic (1). 1 of the submissions does not count toward it. Last evaluated 2020-02-14.

Conditions:
Cone-rod dystrophy and hearing loss 2 (CRDHL2). Identifiers: MedGen C5193051, MONDO:0020780, OMIM 618358.

Allele frequency attached by ClinVar (database versions not stated): gnomAD exomes below 0.00001.
gnomAD v4.1: 2 of 1,558,234 alleles (0.00013%); highest among the groups gnomAD compares: Non-Finnish European, 0.00017%; no homozygotes.

Submissions (2):

SIB Swiss Institute of Bioinformatics
Classification: Likely pathogenic for Cone-rod dystrophy and hearing loss 2. Last evaluated: 2020-02-14. Review status: criteria provided, single submitter. Criteria: ACMG Guidelines, 2015. Collection method: curation. Allele origin: unknown.
Comment: This variant is interpreted as likely pathogenic for Cone-rod dystrophy and hearing loss 2, autosomal recessive. The following ACMG Tag(s) were applied: PM2, PVS1-Strong.

OMIM
Classification: Pathogenic for CONE-ROD DYSTROPHY AND HEARING LOSS 2. Last evaluated: 2024-09-09. Review status: no assertion criteria provided. Collection method: literature only. Allele origin: germline. Not counted in ClinVar's aggregate classification.

Literature cited by the submitters: PubMed 30459346 (cited by SIB Swiss Institute of Bioinformatics and OMIM).

NM_007186.6(CEP250):c.3337A>T (p.Lys1113Ter)

Gene: CEP250 (centrosomal protein 250; plus strand). Cytogenetic location: 20q11.22.
Variant type: single nucleotide variant.
Coding change: c.3337A>T on transcript NM_007186.6 (MANE Select); coding-DNA position 3337, A replaced by T.
Protein change: p.Lys1113Ter; replaces lysine 1113 with a stop codon.
Molecular consequence: nonsense.
Genome position (GRCh38, 1-based): chr20:35,497,749, A>T. VCF-style: chr20-35497749-A-T. GRCh37 (hg19) VCF-style: chr20-34085578-A-T.
Other names: c.1441A>T, p.Lys481Ter (NM_001318219.1); short protein forms K1113*, K481*.
Identifiers: ClinVar variation 620661 (VCV000620661.3), dbSNP rs1568820302, ClinGen allele CA408743754.
Genomic context (GRCh38, chr20:35,497,749, plus strand): 5'-CTTATATTATGTAAAATTCTTCCTTGACAGATGGAATTACTAAGGCAAGAGGTGAAGGAA[A>T]AGGAGGCTGACTTTCTGGCCCAGGAAGCACAGCTGCTGGAGGAGCTGGAGGCGTCTCATA-3'